The following is an entry in ClinVar:

ClinVar aggregate classification (germline): Uncertain significance (1 of 4 stars; one submission).

Submission:

Women's Health and Genetics/Laboratory Corporation of America, LabCorp
Classification: Uncertain significance. Last evaluated: 2024-04-18. Review status: criteria provided, single submitter. Criteria: LabCorp Variant Classification Summary - May 2015. Collection method: clinical testing. Allele origin: germline.
Comment: Variant summary: GLDC c.1128G>C (p.Lys376Asn) results in a non-conservative amino acid change located in the Glycine cleavage system P-protein, N-terminal domain (IPR049315) of the encoded protein sequence. Five of five in-silico tools predict a damaging effect of the variant on protein function. The variant was absent in 251450 control chromosomes. The available data on variant occurrences in the general population are insufficient to allow any conclusion about variant significance. To our knowledge, no occurrence of c.1128G>C in individuals affected with Glycine Encephalopathy (Non-Ketotic Hyperglycinemia) and no experimental evidence demonstrating its impact on protein function have been reported. No submitters have cited clinical-significance assessments for this variant to ClinVar. Based on the evidence outlined above, the variant was classified as uncertain significance.

NM_000170.3(GLDC):c.1128G>C (p.Lys376Asn)

Gene: GLDC (glycine decarboxylase; minus strand). Cytogenetic location: 9p24.1.
Variant type: single nucleotide variant.
Coding change: c.1128G>C on transcript NM_000170.3 (MANE Select); coding-DNA position 1128, G replaced by C.
Protein change: p.Lys376Asn; replaces lysine 376 with asparagine.
Molecular consequence: missense variant.
Genome position (GRCh38, 1-based): chr9:6,602,136, C>G on the plus strand (G>C on the coding strand, the complement: GLDC is on the minus strand). VCF-style: chr9-6602136-C-G. GRCh37 (hg19) VCF-style: chr9-6602136-C-G.
Other names: short protein forms K376N.
Identifiers: ClinVar variation 3251882 (VCV003251882.1), dbSNP rs751362445.